The following is an entry in ClinVar:

ClinVar aggregate classification (germline): Pathogenic (1 of 4 stars; one submission).

Submission:

Labcorp Genetics (formerly Invitae), Labcorp
Classification: Pathogenic. Last evaluated: 2020-02-03. Review status: criteria provided, single submitter. Criteria: Invitae Variant Classification Sherloc (09022015). Collection method: clinical testing. Allele origin: germline.
Comment: This sequence change creates a premature translational stop signal (p.Asp1043Cysfs*2) in the COL2A1 gene. It is expected to result in an absent or disrupted protein product. This variant is not present in population databases (ExAC no frequency). This variant has not been reported in the literature in individuals with COL2A1-related conditions. Algorithms developed to predict the effect of sequence changes on RNA splicing suggest that this variant may create or strengthen a splice site, but this prediction has not been confirmed by published transcriptional studies. Loss-of-function variants in COL2A1 are known to be pathogenic (PMID: 20179744). For these reasons, this variant has been classified as Pathogenic.

Literature cited by the submitters: PubMed 20179744.

NM_001844.5(COL2A1):c.3122_3125dup (p.Asp1043fs)

Gene: COL2A1 (collagen type II alpha 1 chain; minus strand). Cytogenetic location: 12q13.11.
Variant type: Duplication.
Coding change: c.3122_3125dup on transcript NM_001844.5 (MANE Select); coding-DNA positions 3122 to 3125, 4 bases duplicated (GTGC; older notation c.3122_3125dupGTGC).
Protein change: p.Asp1043fs; shifts the reading frame from aspartic acid 1043.
Molecular consequence: frameshift variant.
Genome position (GRCh38, 1-based): chr12:47,977,640-47,977,643, GCAC duplicated on the plus strand (GTGC on the coding strand, the reverse complement: COL2A1 is on the minus strand). VCF-style (leftmost placement, unchanged base first): chr12-47977639-A-AGCAC. GRCh37 (hg19) VCF-style: chr12-48371422-A-AGCAC.
Other names: c.2915_2918dup, p.Asp974fs (NM_033150.3); short protein forms D1043fs, D974fs.
Identifiers: ClinVar variation 1069618 (VCV001069618.7), dbSNP rs2136522933, ClinGen allele CA2499221657.